The following is an entry in ClinVar:

NM_007294.4(BRCA1):c.2977A>G (p.Lys993Glu)

Gene: BRCA1 (BRCA1 DNA repair associated; minus strand). Cytogenetic location: 17q21.31.
Variant type: single nucleotide variant.
Coding change: c.2977A>G on transcript NM_007294.4 (MANE Select); coding-DNA position 2977, A replaced by G.
Protein change: p.Lys993Glu; replaces lysine 993 with glutamic acid.
Molecular consequence: missense variant. On other transcripts: intron variant (137).
Genome position (GRCh38, 1-based): chr17:43,092,554, T>C on the plus strand (A>G on the coding strand, the complement: BRCA1 is on the minus strand). VCF-style: chr17-43092554-T-C. GRCh37 (hg19) VCF-style: chr17-41244571-T-C.
Other names: c.2764A>G, p.Lys922Glu (NM_001407571.1, NM_001407853.1, NM_001407894.1 and 9 more transcripts); c.2977A>G, p.Lys993Glu (NM_001407581.1, NM_001407582.1, NM_001407583.1 and 30 more transcripts); c.2974A>G, p.Lys992Glu (NM_001407587.1, NM_001407590.1, NM_001407591.1 and 22 more transcripts); c.2968A>G, p.Lys990Glu (NM_001407646.1, NM_001407647.1); c.2854A>G, p.Lys952Glu (NM_001407648.1, NM_001407664.1, NM_001407665.1 and 19 more transcripts); c.2851A>G, p.Lys951Glu (NM_001407649.1, NM_001407670.1, NM_001407671.1 and 11 more transcripts); c.2899A>G, p.Lys967Glu (NM_001407653.1, NM_001407654.1, NM_001407655.1 and 4 more transcripts); c.2896A>G, p.Lys966Glu (NM_001407659.1, NM_001407660.1, NM_001407661.1 and 1 more transcripts); and 41 more; short protein forms K904E, K926E, K946E, K697E, K825E, K882E, K990E, K905E.
Identifiers: ClinVar variation 4704366 (VCV004704366.1).

ClinVar aggregate classification (germline): Uncertain significance. Review status: criteria provided, multiple submitters, no conflicts (2 of 4 stars). 2 submissions from 2 submitters: Uncertain significance (2). Last evaluated 2026-01-24.

Conditions:
Hereditary breast ovarian cancer syndrome. Also called: BRCA1- and BRCA2-Associated Hereditary Breast and Ovarian Cancer; Breast and ovarian cancer; Hereditary breast and ovarian cancer; Hereditary breast and ovarian cancer syndrome (HBOC); Hereditary breast and ovarian cancer syndrome; Hereditary breast and/or ovarian cancer syndrome. Identifiers: Orphanet 145, MedGen C0677776, MeSH D061325, MONDO:0003582. Disease mechanism: loss of function.
Hereditary cancer-predisposing syndrome. Also called: Hereditary Cancer Syndrome; Tumor predisposition; Neoplastic Syndromes, Hereditary; Hereditary neoplastic syndrome. Identifiers: Orphanet 140162, MedGen C0027672, MeSH D009386, MONDO:0015356.

Submissions (2):

Labcorp Genetics (formerly Invitae), Labcorp
Classification: Uncertain significance for Hereditary breast ovarian cancer syndrome. Last evaluated: 2026-01-24. Review status: criteria provided, single submitter. Criteria: Invitae Variant Classification Sherloc (09022015). Collection method: clinical testing. Allele origin: germline.
Comment: This sequence change replaces lysine, which is basic and polar, with glutamic acid, which is acidic and polar, at codon 993 of the BRCA1 protein (p.Lys993Glu). This variant is not present in population databases (gnomAD no frequency). This variant has not been reported in the literature in individuals affected with BRCA1-related conditions. Invitae Evidence Modeling of protein sequence and biophysical properties (such as structural, functional, and spatial information, amino acid conservation, physicochemical variation, residue mobility, and thermodynamic stability) indicates that this missense variant is not expected to disrupt BRCA1 protein function with a negative predictive value of 80%. In summary, the available evidence is currently insufficient to determine the role of this variant in disease. Therefore, it has been classified as a Variant of Uncertain Significance.

Color Diagnostics, LLC DBA Color Health
Classification: Uncertain significance for Hereditary cancer-predisposing syndrome. Last evaluated: 2025-06-18. Review status: criteria provided, single submitter. Criteria: ACMG Guidelines, 2015. Collection method: clinical testing. Allele origin: germline.
Comment: This missense variant replaces lysine with glutamic acid at codon 993 of the BRCA1 protein. Computational prediction suggests that this variant may not impact protein structure and function. To our knowledge, functional studies have not been reported for this variant. This variant has been detected in a breast cancer case-control meta-analysis in 0/60466 cases and 1/53461 unaffected individuals (PMID: 33471991Leiden Open Variation Database DB-ID BRCA1_006371). This variant has not been identified in the general population by the Genome Aggregation Database (gnomAD). The available evidence is insufficient to determine the role of this variant in disease conclusively. Therefore, this variant is classified as a Variant of Uncertain Significance.

Literature cited by the submitters: PubMed 33471991 (cited by Color Diagnostics, LLC DBA Color Health).